The following is an entry in ClinVar:

NM_003640.5(ELP1):c.2052T>A (p.His684Gln)

Gene: ELP1 (elongator acetyltransferase complex subunit 1; minus strand). Cytogenetic location: 9q31.3.
Variant type: single nucleotide variant.
Coding change: c.2052T>A on transcript NM_003640.5 (MANE Select); coding-DNA position 2052, T replaced by A.
Protein change: p.His684Gln; replaces histidine 684 with glutamine.
Molecular consequence: missense variant.
Genome position (GRCh38, 1-based): chr9:108,900,338, A>T on the plus strand (T>A on the coding strand, the complement: ELP1 is on the minus strand). VCF-style: chr9-108900338-A-T. GRCh37 (hg19) VCF-style: chr9-111662618-A-T.
Other names: c.1710T>A, p.His570Gln (NM_001318360.2); c.1005T>A, p.His335Gln (NM_001330749.2); c.2052T>A (LRG_251t1); short protein forms H684Q, H335Q, H570Q.
Identifiers: ClinVar variation 455957 (VCV000455957.12), dbSNP rs1321906641, ClinGen allele CA374423499.

ClinVar aggregate classification (germline): Conflicting classifications of pathogenicity. Review status: criteria provided, conflicting classifications (1 of 4 stars). 6 submissions from 6 submitters: Uncertain significance (4); Likely benign (1). 1 of the submissions does not count toward it. Last evaluated 2026-07-01.

Conditions:
Medulloblastoma (MDB). Also called: MEDULLOBLASTOMA PREDISPOSITION SYNDROME; Medulloblastoma, somatic. Identifiers: Orphanet 616, MedGen C0025149, MeSH D008527, MONDO:0007959, OMIM 155255, HP:0002885.
Familial dysautonomia. Also called: HSAN III; FD. Identifiers: Orphanet 1764, MedGen C0013364, MONDO:0009131, OMIM 223900. Disease mechanism: loss of function.

Allele frequency attached by ClinVar (database versions not stated): gnomAD exomes below 0.00001.
gnomAD v4.1: 5 of 1,614,166 alleles (0.00031%); highest among the groups gnomAD compares: Middle Eastern, 0.033%; no homozygotes.

Submissions (6):

CeGaT Center for Human Genetics Tuebingen
Classification: Likely benign. Last evaluated: 2026-07-01. Review status: criteria provided, single submitter. Criteria: CeGaT Center For Human Genetics Tuebingen Variant Classification Criteria Version 2. Collection method: clinical testing. Allele origin: germline. Affected: yes. Observed: 1 variant allele.
Comment: ELP1: BP4

Labcorp Genetics (formerly Invitae), Labcorp
Classification: Uncertain significance. Last evaluated: 2024-06-12. Review status: criteria provided, single submitter. Criteria: Invitae Variant Classification Sherloc (09022015). Collection method: clinical testing. Allele origin: germline.
Comment: This sequence change replaces histidine, which is basic and polar, with glutamine, which is neutral and polar, at codon 684 of the ELP1 protein (p.His684Gln). This variant is present in population databases (no rsID available, gnomAD 0.003%). This variant has not been reported in the literature in individuals affected with ELP1-related conditions. ClinVar contains an entry for this variant (Variation ID: 455957). Advanced modeling of protein sequence and biophysical properties (such as structural, functional, and spatial information, amino acid conservation, physicochemical variation, residue mobility, and thermodynamic stability) performed at Invitae indicates that this missense variant is not expected to disrupt ELP1 protein function with a negative predictive value of 80%. In summary, the available evidence is currently insufficient to determine the role of this variant in disease. Therefore, it has been classified as a Variant of Uncertain Significance.

Fulgent Genetics
Classification: Uncertain significance for Medulloblastoma; Familial dysautonomia. Last evaluated: 2024-04-23. Review status: criteria provided, single submitter. Criteria: ACMG Guidelines, 2015. Collection method: clinical testing. Allele origin: germline.

Illumina Laboratory Services, Illumina
Classification: Uncertain significance for Familial dysautonomia. Last evaluated: 2018-01-12. Review status: criteria provided, single submitter. Criteria: ICSL Variant Classification Criteria 13 December 2019. Collection method: clinical testing. Allele origin: germline.

Breakthrough Genomics
Classification: Uncertain significance. Review status: criteria provided, single submitter. Criteria: ACMG Guidelines, 2015. Collection method: not provided. Allele origin: germline. Inheritance: Autosomal recessive inheritance. Affected: yes.

Natera, Inc.
Classification: Uncertain significance for Hereditary sensory and autonomic neuropathy type III. Last evaluated: 2020-01-17. Review status: no assertion criteria provided. Collection method: clinical testing. Allele origin: germline. Not counted in ClinVar's aggregate classification.